The following is an entry in ClinVar:

ClinVar aggregate classification (germline): Uncertain significance (1 of 4 stars; one submission).

Conditions:
Autosomal dominant Parkinson disease 8. Also called: LRRK2-Related Parkinson Disease; Parkinson disease 8; Parkinson disease 8, susceptibility to. Identifiers: Orphanet 411602, MedGen C1846862, MONDO:0011764, OMIM 607060.

gnomAD v4.1: 20 of 1,613,054 alleles (0.0012%); highest among the groups gnomAD compares: African/African-American, 0.004%; no homozygotes.

Submission:

Labcorp Genetics (formerly Invitae), Labcorp
Classification: Uncertain significance for Autosomal dominant Parkinson disease 8. Last evaluated: 2025-10-21. Review status: criteria provided, single submitter. Criteria: Invitae Variant Classification Sherloc (09022015). Collection method: clinical testing. Allele origin: germline.
Comment: This sequence change replaces alanine, which is neutral and non-polar, with valine, which is neutral and non-polar, at codon 504 of the LRRK2 protein (p.Ala504Val). This variant is present in population databases (rs201333920, gnomAD 0.008%). This variant has not been reported in the literature in individuals affected with LRRK2-related conditions. Invitae Evidence Modeling of protein sequence and biophysical properties (such as structural, functional, and spatial information, amino acid conservation, physicochemical variation, residue mobility, and thermodynamic stability) has been performed for this missense variant. However, the output from this modeling did not meet the statistical confidence thresholds required to predict the impact of this variant on LRRK2 protein function. In summary, the available evidence is currently insufficient to determine the role of this variant in disease. Therefore, it has been classified as a Variant of Uncertain Significance.

NM_198578.4(LRRK2):c.1511C>T (p.Ala504Val)

Gene: LRRK2 (leucine rich repeat kinase 2; plus strand). Cytogenetic location: 12q12.
Variant type: single nucleotide variant.
Coding change: c.1511C>T on transcript NM_198578.4 (MANE Select); coding-DNA position 1511, C replaced by T.
Protein change: p.Ala504Val; replaces alanine 504 with valine.
Molecular consequence: missense variant.
Genome position (GRCh38, 1-based): chr12:40,259,572, C>T. VCF-style: chr12-40259572-C-T. GRCh37 (hg19) VCF-style: chr12-40653374-C-T.
Other names: short protein forms A504V.
Identifiers: ClinVar variation 4804427 (VCV004804427.1).